The following is an entry in ClinVar:

ClinVar aggregate classification (germline): Likely pathogenic (1 of 4 stars; one submission).

Conditions:
LEPR-related disorder. Also called: LEPR-related condition; LEPR-related disorders.

Submission:

PreventionGenetics, part of Exact Sciences
Classification: Likely pathogenic for LEPR-related condition. Last evaluated: 2026-06-05. Review status: criteria provided, single submitter. Criteria: ACMG Guidelines, 2015. Collection method: clinical testing. Allele origin: germline.
Comment: The LEPR c.396G>A variant is predicted to result in premature protein termination (p.Trp132*). To our knowledge, this variant has not been reported in the literature or in a large population database (gnomAD), indicating this variant is rare. Nonsense variants in LEPR are expected to be pathogenic. This variant is interpreted as likely pathogenic.

NM_002303.6(LEPR):c.396G>A (p.Trp132Ter)

Gene: LEPR (leptin receptor; plus strand). Cytogenetic location: 1p31.3.
Variant type: single nucleotide variant.
Coding change: c.396G>A on transcript NM_002303.6 (MANE Select); coding-DNA position 396, G replaced by A.
Protein change: p.Trp132Ter; replaces tryptophan 132 with a stop codon.
Molecular consequence: nonsense.
Genome position (GRCh38, 1-based): chr1:65,572,351, G>A. VCF-style: chr1-65572351-G-A. GRCh37 (hg19) VCF-style: chr1-66038034-G-A.
Other names: c.396G>A, p.Trp132Ter (NM_001003679.3, NM_001003680.3, NM_001198687.2 and 2 more transcripts); short protein forms W132*.
Identifiers: ClinVar variation 4991907 (VCV004991907.1).
Genomic context (GRCh38, chr1:65,572,351, plus strand): 5'-TTTTTTTTTTTTTTTTTTTTTTTTTTTAAATTCAGATGCAAACTGGAACATACAGTGCTG[G>A]CTAAAAGGAGACTTAAAATTATTCATCTGTTATGTGGAGTCATTATTTAAGAATCTATTC-3'